The following is an entry in ClinVar:

ClinVar aggregate classification (germline): Uncertain significance. Review status: criteria provided, multiple submitters, no conflicts (2 of 4 stars). 3 submissions from 3 submitters: Uncertain significance (3). Last evaluated 2025-07-07.

Conditions:
Colorectal cancer. Also called: Colorectal cancer, somatic; Malignant Colorectal Neoplasm. Identifiers: MedGen C0346629, MONDO:0005575, OMIM 114500.
Gastric adenocarcinoma and proximal polyposis of the stomach (GAPPS). Also called: POLYPOSIS, GASTRIC; Polyposis, gastric, Dos Santos and de Magalhaes 1980; Gastric Adenocarcinoma and Proximal Polyposis of the Stomach (GAPPS). Identifiers: Orphanet 314022, MedGen C4749917, MONDO:0017790, OMIM 619182.
Gastric cancer. Also called: Stomach cancer; Malignant tumor of stomach. Identifiers: MedGen C0024623, MeSH D013274, MONDO:0001056, OMIM 613659, HP:0012126.
Hepatocellular carcinoma (HCC). Also called: HEPATOMA; LIVER CELL CARCINOMA; Primary carcinoma of liver. Identifiers: Orphanet 88673, MedGen C2239176, MONDO:0007256, OMIM 114550, HP:0001402.
Desmoid disease, hereditary (DESMD). Also called: FIBROMATOSIS, FAMILIAL INFILTRATIVE. Identifiers: Orphanet 873, MedGen C1851124, OMIM 135290. Disease mechanism: loss of function.
Familial adenomatous polyposis 1 (FAP1). Also called: FAMILIAL ADENOMATOUS POLYPOSIS 1, ATTENUATED; POLYPOSIS, ADENOMATOUS INTESTINAL. Identifiers: MedGen C2713442, MONDO:0021056, OMIM 175100. Disease mechanism: loss of function.
Hereditary cancer-predisposing syndrome. Also called: Neoplastic Syndromes, Hereditary; Tumor predisposition; Hereditary Cancer Syndrome; Hereditary neoplastic syndrome. Identifiers: Orphanet 140162, MedGen C0027672, MeSH D009386, MONDO:0015356.

Allele frequency attached by ClinVar (database versions not stated): gnomAD exomes below 0.00001; gnomAD 0.00001.
gnomAD v4.1: 3 of 1,613,158 alleles (0.00019%); highest among the groups gnomAD compares: Non-Finnish European, 0.00025%; no homozygotes.

Submissions (3):

Color Diagnostics, LLC DBA Color Health
Classification: Uncertain significance for Hereditary cancer-predisposing syndrome. Last evaluated: 2025-07-07. Review status: criteria provided, single submitter. Criteria: ACMG Guidelines, 2015. Collection method: clinical testing. Allele origin: germline.
Comment: This missense variant replaces glycine with glutamic acid at codon 2201 of the APC protein. Computational prediction is inconclusive regarding the impact of this variant on protein structure and function. To our knowledge, functional studies have not been reported for this variant. This variant has not been reported in individuals affected with APC-related disorders in the literature. This variant has been identified in 1/31406 chromosomes in the general population by the Genome Aggregation Database (gnomAD). The available evidence is insufficient to determine the role of this variant in disease conclusively. Therefore, this variant is classified as a Variant of Uncertain Significance.

Fulgent Genetics
Classification: Uncertain significance for Colorectal cancer; Hepatocellular carcinoma; Desmoid disease, hereditary; Familial adenomatous polyposis 1; Gastric cancer; Gastric adenocarcinoma and proximal polyposis of the stomach. Last evaluated: 2024-06-06. Review status: criteria provided, single submitter. Criteria: ACMG Guidelines, 2015. Collection method: clinical testing. Allele origin: germline.

Ambry Genetics
Classification: Uncertain significance for Hereditary cancer-predisposing syndrome. Last evaluated: 2022-02-01. Review status: criteria provided, single submitter. Criteria: Ambry Variant Classification Scheme 2023. Collection method: clinical testing. Allele origin: germline.
Comment: The p.G2201E variant (also known as c.6602G>A), located in coding exon 15 of the APC gene, results from a G to A substitution at nucleotide position 6602. The glycine at codon 2201 is replaced by glutamic acid, an amino acid with similar properties. This amino acid position is highly conserved in available vertebrate species. In addition, in silico predictors for this gene do not accurately predict pathogenicity. Since supporting evidence is limited at this time, the clinical significance of this alteration remains unclear.

NM_000038.6(APC):c.6602G>A (p.Gly2201Glu)

Gene: APC (APC regulator of Wnt signaling pathway; plus strand). Cytogenetic location: 5q22.2.
Variant type: single nucleotide variant.
Coding change: c.6602G>A on transcript NM_000038.6 (MANE Select); coding-DNA position 6602, G replaced by A.
Protein change: p.Gly2201Glu; replaces glycine 2201 with glutamic acid.
Molecular consequence: missense variant.
Genome position (GRCh38, 1-based): chr5:112,842,196, G>A. VCF-style: chr5-112842196-G-A. GRCh37 (hg19) VCF-style: chr5-112177893-G-A.
Other names: c.6602G>A, p.Gly2201Glu (NM_001127510.3, NM_001354895.2, NM_001407450.1); c.6548G>A, p.Gly2183Glu (NM_001127511.3); c.6656G>A, p.Gly2219Glu (NM_001354896.2, NM_001407447.1, NM_001407448.1 and 1 more transcripts); c.6632G>A, p.Gly2211Glu (NM_001354897.2); c.6527G>A, p.Gly2176Glu (NM_001354898.2); c.6518G>A, p.Gly2173Glu (NM_001354899.2); c.6479G>A, p.Gly2160Glu (NM_001354900.2); c.6425G>A, p.Gly2142Glu (NM_001354901.2, NM_001407453.1); and 11 more; short protein forms G1918E, G2075E, G2176E, G2211E, G2229E, G2142E, G2201E, G1817E.
Identifiers: ClinVar variation 1754424 (VCV001754424.4), dbSNP rs1422564640, ClinGen allele CA16035777.